The following is an entry in ClinVar:

ClinVar aggregate classification (germline): Uncertain significance. Review status: criteria provided, multiple submitters, no conflicts (2 of 4 stars). 3 submissions from 3 submitters: Uncertain significance (3). Last evaluated 2026-02-01.

Conditions:
Inborn genetic diseases. Identifiers: MedGen C0950123, MeSH D030342.
Microphthalmia with brain and digit anomalies (MCOPS6). Also called: MICROPHTHALMIA AND PITUITARY ANOMALIES; Microphthalmia, syndromic 6. Identifiers: Orphanet 139471, MedGen C1864689, MONDO:0011936, OMIM 607932.
Orofacial cleft 11 (OFC11). Also called: Orofacial cleft 11; ofc11; CLEFT LIP WITH OR WITHOUT CLEFT PALATE, NONSYNDROMIC, 11. Identifiers: MedGen C2677434, MONDO:0010906, OMIM 600625.

gnomAD v4.1: 23 of 1,613,530 alleles (0.0014%); highest among the groups gnomAD compares: African/African-American, 0.028%; no homozygotes.

Submissions (3):

Labcorp Genetics (formerly Invitae), Labcorp
Classification: Uncertain significance for Microphthalmia with brain and digit anomalies; Orofacial cleft 11. Last evaluated: 2026-02-01. Review status: criteria provided, single submitter. Criteria: Invitae Variant Classification Sherloc (09022015). Collection method: clinical testing. Allele origin: germline.
Comment: This sequence change replaces glutamic acid, which is acidic and polar, with aspartic acid, which is acidic and polar, at codon 37 of the BMP4 protein (p.Glu37Asp). This variant is present in population databases (rs150187403, gnomAD 0.04%). This variant has not been reported in the literature in individuals affected with BMP4-related conditions. ClinVar contains an entry for this variant (Variation ID: 3576628). An algorithm developed to predict the effect of missense changes on protein structure and function (PolyPhen-2) suggests that this variant is likely to be tolerated. In summary, the available evidence is currently insufficient to determine the role of this variant in disease. Therefore, it has been classified as a Variant of Uncertain Significance.

Ambry Genetics
Classification: Uncertain significance for Inborn genetic diseases. Last evaluated: 2025-05-26. Review status: criteria provided, single submitter. Criteria: Ambry Variant Classification Scheme 2023. Collection method: clinical testing. Allele origin: germline.

Fulgent Genetics
Classification: Uncertain significance for Orofacial cleft 11; Microphthalmia with brain and digit anomalies. Last evaluated: 2024-06-24. Review status: criteria provided, single submitter. Criteria: ACMG Guidelines, 2015. Collection method: clinical testing. Allele origin: germline.

NM_001202.6(BMP4):c.111G>C (p.Glu37Asp)

Gene: BMP4 (bone morphogenetic protein 4; minus strand). Cytogenetic location: 14q22.2.
Variant type: single nucleotide variant.
Coding change: c.111G>C on transcript NM_001202.6 (MANE Select); coding-DNA position 111, G replaced by C.
Protein change: p.Glu37Asp; replaces glutamic acid 37 with aspartic acid.
Molecular consequence: missense variant. On other transcripts: 5 prime UTR variant (3).
Genome position (GRCh38, 1-based): chr14:53,952,112, C>G on the plus strand (G>C on the coding strand, the complement: BMP4 is on the minus strand). VCF-style: chr14-53952112-C-G. GRCh37 (hg19) VCF-style: chr14-54418830-C-G.
Other names: c.252G>C, p.Glu84Asp (NM_001347912.1); c.-79G>C (NM_001347913.2, NM_001347915.2, NM_001347917.1); c.111G>C, p.Glu37Asp (NM_001347914.2, NM_001347916.1, NM_130850.5 and 1 more transcripts); c.111G>C (NM_001202.3); short protein forms E37D, E84D.
Identifiers: ClinVar variation 3576628 (VCV003576628.3).
Genomic context (GRCh38, chr14:53,952,112, plus strand): 5'-GAAGTCCCGCAGGAGCTCATGGCTCTGCCCTGAGCGGCGTCCTCCCGCGTGGCCCTGAAT[C>G]TCGGCGACTTTTTTCTTCCCCGTCTCAGGTATCAAACTAGCATGGCTCGCGCCTCCTAGC-3'
Protein context (NP_001193.2, residues 27-47): IPETGKKKVA[Glu37Asp]IQGHAGGRRS